The following is an entry in ClinVar:

NM_000277.3(PAH):c.1237C>A (p.Arg413Ser)

Gene: PAH (phenylalanine hydroxylase; minus strand). Cytogenetic location: 12q23.2.
Variant type: single nucleotide variant.
Coding change: c.1237C>A on transcript NM_000277.3 (MANE Select); coding-DNA position 1237, C replaced by A.
Protein change: p.Arg413Ser; replaces arginine 413 with serine.
Molecular consequence: missense variant.
Genome position (GRCh38, 1-based): chr12:102,840,478, G>T on the plus strand (C>A on the coding strand, the complement: PAH is on the minus strand). VCF-style: chr12-102840478-G-T. GRCh37 (hg19) VCF-style: chr12-103234256-G-T.
Other names: NM_000277.3(PAH):c.1237C>A; c.1237C>A, p.Arg413Ser (NM_001354304.2); short protein forms R413S.
Identifiers: ClinVar variation 102575 (VCV000102575.12), dbSNP rs62644467, ClinGen allele CA229411.

ClinVar aggregate classification (germline): Pathogenic. Review status: reviewed by expert panel (3 of 4 stars). 4 submissions from 4 submitters: Pathogenic (1). 3 of the submissions do not count toward it. Last evaluated 2024-09-06.

Conditions:
Phenylketonuria (PKU). Also called: Phenylketonuria (PKU); FOLLING DISEASE; OLIGOPHRENIA PHENYLPYRUVICA; Phenylketonurias. Identifiers: Orphanet 716, MedGen C0031485, MONDO:0009861, OMIM 261600. Disease mechanism: loss of function.

Submissions (4):

ClinGen PAH Variant Curation Expert Panel
Classification: Pathogenic for Phenylketonuria. Last evaluated: 2024-09-06. Review status: reviewed by expert panel. Criteria: ClinGen PAH ACMG Specifications v1. Collection method: curation. Allele origin: germline. Inheritance: Autosomal recessive inheritance.
Comment: This variant has been reported in at least 2 in vitro studies showing <50% PAH activity as compared to wild type. This variant is absent from population databases, and is predicted deleterious by SIFT, PolyPhen2, MutationTaster, REVEL = 0.934. This variant is at the same codon as c.1238G>C (p.Arg413Pro) which has been curated as pathogenic by the ClinGen PAH VCEP (ClinVarID:592). In summary, this variant meets criteria to be classified as pathogenic for PAH. PAH-specific ACMG/AMP criteria applied: PS3_supporting, PM2_supporting, PM5, PP4_Moderate, PP3_strong.

Myriad Genetics, Inc.
Classification: Likely pathogenic for Phenylketonuria. Last evaluated: 2025-08-22. Review status: criteria provided, single submitter. Criteria: Myriad Autosomal Dominant, Autosomal Recessive and X-Linked Classification Criteria (2023). Collection method: clinical testing. Allele origin: unknown. Not counted in ClinVar's aggregate classification.
Comment: NM_000277.1(PAH):c.1237C>A(R413S) is a missense variant classified as likely pathogenic in the context of phenylalanine hydroxylase deficiency. R413S has been observed in cases with relevant disease (PMID: 32668217). Relevant functional assessments of this variant are available in the literature (PMID: 10479481, 30037505). Internal structural analysis of the variant is supportive of pathogenicity. R413S has not been observed in referenced population frequency databases. In summary, NM_000277.1(PAH):c.1237C>A(R413S) is a missense variant that has both functional and internal structural support for pathogenicity and has been observed more frequently in cases with the relevant disease than in healthy populations. Please note: this variant was assessed in the context of healthy population screening.

Labcorp Genetics (formerly Invitae), Labcorp
Classification: Pathogenic for Phenylketonuria. Last evaluated: 2020-03-14. Review status: criteria provided, single submitter. Criteria: Invitae Variant Classification Sherloc (09022015). Collection method: clinical testing. Allele origin: germline. Not counted in ClinVar's aggregate classification.
Comment: For these reasons, this variant has been classified as Pathogenic. This variant disrupts the p.Arg413 amino acid residue in PAH. Other variant(s) that disrupt this residue have been determined to be pathogenic (PMID: 24401910, 27264808, 17935162, 21953985, 30459323). This suggests that this residue is clinically significant, and that variants that disrupt this residue are likely to be disease-causing. This variant has been reported to affect PAH protein function (PMID: 10479481). This variant has been observed in combination with another PAH variant in an individual affected with hyperphenylaninemia (PMID: 10479481). ClinVar contains an entry for this variant (Variation ID: 102575). This variant is not present in population databases (ExAC no frequency). This sequence change replaces arginine with serine at codon 413 of the PAH protein (p.Arg413Ser). The arginine residue is highly conserved and there is a moderate physicochemical difference between arginine and serine.

DeBelle Laboratory for Biochemical Genetics, MUHC/MCH RESEARCH INSTITUTE
No classification provided. Review status: no classification provided. Collection method: not provided. Allele origin: not provided. Not counted in ClinVar's aggregate classification.

Literature cited by the submitters: PubMed 10479481 (cited by 3 submitters); PubMed 30037505 (cited by Myriad Genetics, Inc.); PubMed 32668217 (cited by Myriad Genetics, Inc.); PubMed 24401910 (cited by Labcorp Genetics (formerly Invitae), Labcorp); PubMed 27264808 (cited by Labcorp Genetics (formerly Invitae), Labcorp); PubMed 17935162 (cited by Labcorp Genetics (formerly Invitae), Labcorp); PubMed 21953985 (cited by Labcorp Genetics (formerly Invitae), Labcorp); PubMed 30459323 (cited by Labcorp Genetics (formerly Invitae), Labcorp).